The following is an entry in ClinVar:

ClinVar aggregate classification (germline): Uncertain significance. Review status: criteria provided, multiple submitters, no conflicts (2 of 4 stars). 2 submissions from 2 submitters: Uncertain significance (2). Last evaluated 2024-03-19.

Conditions:
Inborn genetic diseases. Identifiers: MedGen C0950123, MeSH D030342.

Allele frequency attached by ClinVar (database versions not stated): TOPMed 0.00001; gnomAD exomes 0.00005.
gnomAD v4.1: 73 of 1,613,936 alleles (0.0045%); highest among the groups gnomAD compares: Non-Finnish European, 0.0059%; no homozygotes.

Submissions (2):

Ambry Genetics
Classification: Uncertain significance for Inborn genetic diseases. Last evaluated: 2024-03-19. Review status: criteria provided, single submitter. Criteria: Ambry Variant Classification Scheme 2023. Collection method: clinical testing. Allele origin: germline.
Comment: The p.G793C variant (also known as c.2377G>T), located in coding exon 18 of the SLC12A6 gene, results from a G to T substitution at nucleotide position 2377. The glycine at codon 793 is replaced by cysteine, an amino acid with highly dissimilar properties. This amino acid position is conserved. In addition, this alteration is predicted to be deleterious by in silico analysis. Based on the available evidence, the clinical significance of this alteration remains unclear.

Labcorp Genetics (formerly Invitae), Labcorp
Classification: Uncertain significance. Last evaluated: 2022-03-20. Review status: criteria provided, single submitter. Criteria: Invitae Variant Classification Sherloc (09022015). Collection method: clinical testing. Allele origin: germline.
Comment: This sequence change replaces glycine, which is neutral and non-polar, with cysteine, which is neutral and slightly polar, at codon 793 of the SLC12A6 protein (p.Gly793Cys). This variant is present in population databases (no rsID available, gnomAD 0.004%). This variant has not been reported in the literature in individuals affected with SLC12A6-related conditions. Algorithms developed to predict the effect of missense changes on protein structure and function are either unavailable or do not agree on the potential impact of this missense change (SIFT: "Tolerated"; PolyPhen-2: "Probably Damaging"; Align-GVGD: "Class C0"). In summary, the available evidence is currently insufficient to determine the role of this variant in disease. Therefore, it has been classified as a Variant of Uncertain Significance.

NM_001365088.1(SLC12A6):c.2377G>T (p.Gly793Cys)

Gene: SLC12A6 (solute carrier family 12 member 6; minus strand). Cytogenetic location: 15q14.
Variant type: single nucleotide variant.
Coding change: c.2377G>T on transcript NM_001365088.1 (MANE Select); coding-DNA position 2377, G replaced by T.
Protein change: p.Gly793Cys; replaces glycine 793 with cysteine.
Molecular consequence: missense variant.
Genome position (GRCh38, 1-based): chr15:34,240,720, C>A on the plus strand (G>T on the coding strand, the complement: SLC12A6 is on the minus strand). VCF-style: chr15-34240720-C-A. GRCh37 (hg19) VCF-style: chr15-34532921-C-A.
Other names: c.2200G>T, p.Gly734Cys (NM_001042494.2, NM_001042495.2); c.2350G>T, p.Gly784Cys (NM_001042496.2); c.2332G>T, p.Gly778Cys (NM_001042497.2); c.2224G>T, p.Gly742Cys (NM_005135.2); c.2377G>T, p.Gly793Cys (NM_133647.2); short protein forms G784C, G734C, G778C, G742C, G793C.
Identifiers: ClinVar variation 2083298 (VCV002083298.2), dbSNP rs934430064, ClinGen allele CA268662427.